The following is an entry in ClinVar:

ClinVar aggregate classification (germline): Uncertain significance. Review status: criteria provided, multiple submitters, no conflicts (2 of 4 stars). 4 submissions from 4 submitters: Uncertain significance (4). Last evaluated 2025-04-08.

Conditions:
Inborn genetic diseases. Identifiers: MedGen C0950123, MeSH D030342.
Wilms tumor 1 (WT1). Also called: Wilms tumor, somatic. Identifiers: Orphanet 654, MedGen CN033288, MONDO:0008679, OMIM 194070.
11p partial monosomy syndrome (WAGR). Also called: WAGR Spectrum Disorder; WAGR syndrome; WAGR Complex; CHROMOSOME 11p13 DELETION SYNDROME. Identifiers: Orphanet 893, MedGen C0206115, MONDO:0008681, OMIM 194072.
Frasier syndrome. Identifiers: Orphanet 347, MedGen C0950122, MeSH D052159, MONDO:0007635, OMIM 136680.
Drash syndrome (DDS). Also called: NEPHROPATHY, WILMS TUMOR, AND GENITAL ANOMALIES; WILMS TUMOR AND PSEUDO- OR TRUE HERMAPHRODITISM. Identifiers: Orphanet 220, MedGen C0950121, MONDO:0008682, OMIM 194080.

gnomAD v4.1: 14 of 1,614,130 alleles (0.00087%); highest among the groups gnomAD compares: African/African-American, 0.0013%; no homozygotes.

Submissions (4):

Ambry Genetics
Classification: Uncertain significance for Inborn genetic diseases. Last evaluated: 2025-04-08. Review status: criteria provided, single submitter. Criteria: Ambry Variant Classification Scheme 2023. Collection method: clinical testing. Allele origin: germline.
Comment: The p.M250L variant (also known as c.748A>C), located in coding exon 2 of the WT1 gene, results from an A to C substitution at nucleotide position 748. The methionine at codon 250 is replaced by leucine, an amino acid with highly similar properties. This amino acid position is conserved. In addition, this alteration is predicted to be tolerated by in silico analysis. Based on the available evidence, the clinical significance of this variant remains unclear.

All of Us Research Program, National Institutes of Health
Classification: Uncertain significance for Wilms tumor 1. Last evaluated: 2024-08-13. Review status: criteria provided, single submitter. Criteria: ACMG Guidelines, 2015. Collection method: clinical testing. Allele origin: germline. Inheritance: Autosomal dominant inheritance. Observed: 1 variant allele, 1 heterozygote.
Comment: This missense variant replaces methionine with leucine at codon 250 of the WT1 protein. Computational prediction suggests that this variant may not impact protein structure and function (internally defined REVEL score threshold <= 0.5, PMID: 27666373). To our knowledge, functional studies have not been reported for this variant. This variant has not been reported in individuals affected with WT1-related disorders in the literature. This variant has not been identified in the general population by the Genome Aggregation Database (gnomAD). The available evidence is insufficient to determine the role of this variant in disease conclusively. Therefore, this variant is classified as a Variant of Uncertain Significance.

This study involves interpretation of variants in research participants for the purpose of population health screening. Participant phenotype was not available at the time of variant classification. Additional details can be found in publication PMID: 35346344, PMCID: PMC8962531

Color Diagnostics, LLC DBA Color Health
Classification: Uncertain significance for Wilms tumor 1. Last evaluated: 2024-07-30. Review status: criteria provided, single submitter. Criteria: ACMG Guidelines, 2015. Collection method: clinical testing. Allele origin: germline.
Comment: This missense variant replaces methionine with leucine at codon 250 of the WT1 protein. Computational prediction suggests that this variant may not impact protein structure and function. To our knowledge, functional studies have not been reported for this variant. This variant has not been reported in individuals affected with WT1-related disorders in the literature. This variant has not been identified in the general population by the Genome Aggregation Database (gnomAD). The available evidence is insufficient to determine the role of this variant in disease conclusively. Therefore, this variant is classified as a Variant of Uncertain Significance.

Labcorp Genetics (formerly Invitae), Labcorp
Classification: Uncertain significance for Wilms tumor 1; Drash syndrome; 11p partial monosomy syndrome; Frasier syndrome. Last evaluated: 2023-12-16. Review status: criteria provided, single submitter. Criteria: Invitae Variant Classification Sherloc (09022015). Collection method: clinical testing. Allele origin: germline.
Comment: This sequence change replaces methionine, which is neutral and non-polar, with leucine, which is neutral and non-polar, at codon 250 of the WT1 protein (p.Met250Leu). This variant is not present in population databases (gnomAD no frequency). This variant has not been reported in the literature in individuals affected with WT1-related conditions. ClinVar contains an entry for this variant (Variation ID: 834339). Advanced modeling of protein sequence and biophysical properties (such as structural, functional, and spatial information, amino acid conservation, physicochemical variation, residue mobility, and thermodynamic stability) performed at Invitae indicates that this missense variant is not expected to disrupt WT1 protein function with a negative predictive value of 95%. In summary, the available evidence is currently insufficient to determine the role of this variant in disease. Therefore, it has been classified as a Variant of Uncertain Significance.

NM_024426.6(WT1):c.763A>C (p.Met255Leu)

Gene: WT1 (WT1 transcription factor; minus strand). Cytogenetic location: 11p13.
Variant type: single nucleotide variant.
Coding change: c.763A>C on transcript NM_024426.6 (MANE Select); coding-DNA position 763, A replaced by C.
Protein change: p.Met255Leu; replaces methionine 255 with leucine.
Molecular consequence: missense variant. On other transcripts: non-coding transcript variant (1).
Genome position (GRCh38, 1-based): chr11:32,428,518, T>G on the plus strand (A>C on the coding strand, the complement: WT1 is on the minus strand). VCF-style: chr11-32428518-T-G. GRCh37 (hg19) VCF-style: chr11-32450064-T-G.
Other names: c.763A>C, p.Met255Leu (NM_000378.6, NM_001407044.1, NM_001407045.1 and 4 more transcripts); c.112A>C, p.Met38Leu (NM_001198551.2, NM_001198552.2); c.1A>C, p.Met1Leu (NM_001407051.1); c.748A>C, p.Met250Leu (NM_024425.2); short protein forms M38L, M255L, M1L, M250L.
Identifiers: ClinVar variation 834339 (VCV000834339.14), dbSNP rs142653301, ClinGen allele CA379963297.
Genomic context (GRCh38, chr11:32,428,518, plus strand): 5'-AGAAGGGGAGAAGGACTCCACTTGGTTCCGCTCGCTTACCCAGCGAGCCCTGCTGGCCCA[T>G]GGGATCCTCATGCTTGAATGAGTGGTTGGGGAACTGCGCCGCATGGTGCGAGGGCGTGTG-3'
Protein context (NP_077744.4, residues 245-265): PNHSFKHEDP[Met255Leu]GQQGSLGEQQ